The following is an entry in ClinVar:

NM_004448.4(ERBB2):c.152A>G (p.Gln51Arg)

Gene: ERBB2 (erb-b2 receptor tyrosine kinase 2; plus strand). Cytogenetic location: 17q12.
Variant type: single nucleotide variant.
Coding change: c.152A>G on transcript NM_004448.4 (MANE Select); coding-DNA position 152, A replaced by G.
Protein change: p.Gln51Arg; replaces glutamine 51 with arginine.
Molecular consequence: missense variant. On other transcripts: non-coding transcript variant (1), intron variant (1).
Genome position (GRCh38, 1-based): chr17:39,707,068, A>G. VCF-style: chr17-39707068-A-G. GRCh37 (hg19) VCF-style: chr17-37863321-A-G.
Other names: c.152A>G (NM_004448.2); c.62A>G, p.Gln21Arg (NM_001005862.3, NM_001289938.2, NM_001382782.1 and 1 more transcripts); c.107A>G, p.Gln36Arg (NM_001289936.2); c.152A>G, p.Gln51Arg (NM_001289937.2, NM_001382784.1, NM_001382785.1 and 20 more transcripts); c.74-4860A>G (NM_001382804.1); short protein forms Q21R, Q51R, Q36R.
Identifiers: ClinVar variation 1465849 (VCV001465849.9), dbSNP rs1390107974, ClinGen allele CA399270589.

ClinVar aggregate classification (germline): Uncertain significance. Review status: criteria provided, multiple submitters, no conflicts (2 of 4 stars). 2 submissions from 2 submitters: Uncertain significance (2). Last evaluated 2024-09-11.

Allele frequency attached by ClinVar (database versions not stated): gnomAD exomes 0.00001.
gnomAD v4.1: 4 of 1,606,920 alleles (0.00025%); highest among the groups gnomAD compares: Admixed American, 0.0034%; no homozygotes.

Submissions (2):

Ambry Genetics
Classification: Uncertain significance. Last evaluated: 2024-09-11. Review status: criteria provided, single submitter. Criteria: Ambry Variant Classification Scheme 2023. Collection method: clinical testing. Allele origin: germline.

Labcorp Genetics (formerly Invitae), Labcorp
Classification: Uncertain significance. Last evaluated: 2023-02-02. Review status: criteria provided, single submitter. Criteria: Invitae Variant Classification Sherloc (09022015). Collection method: clinical testing. Allele origin: germline.
Comment: In summary, the available evidence is currently insufficient to determine the role of this variant in disease. Therefore, it has been classified as a Variant of Uncertain Significance. This sequence change replaces glutamine, which is neutral and polar, with arginine, which is basic and polar, at codon 51 of the ERBB2 protein (p.Gln51Arg). This variant is not present in population databases (gnomAD no frequency). This variant has not been reported in the literature in individuals affected with ERBB2-related conditions. ClinVar contains an entry for this variant (Variation ID: 1465849). Advanced modeling of protein sequence and biophysical properties (such as structural, functional, and spatial information, amino acid conservation, physicochemical variation, residue mobility, and thermodynamic stability) performed at Invitae indicates that this missense variant is not expected to disrupt ERBB2 protein function.